The following is an entry in ClinVar:

ClinVar aggregate classification (germline): Uncertain significance. Review status: criteria provided, multiple submitters, no conflicts (2 of 4 stars). 2 submissions from 2 submitters: Uncertain significance (2). Last evaluated 2025-12-03.

Conditions:
Inborn genetic diseases. Identifiers: MedGen C0950123, MeSH D030342.

Allele frequency attached by ClinVar (database versions not stated): gnomAD exomes below 0.00001; TOPMed below 0.00001; gnomAD 0.00001; ExAC 0.00002.
gnomAD v4.1: 5 of 1,613,862 alleles (0.00031%); highest among the groups gnomAD compares: Admixed American, 0.0017%; no homozygotes.

Submissions (2):

Labcorp Genetics (formerly Invitae), Labcorp
Classification: Uncertain significance. Last evaluated: 2025-12-03. Review status: criteria provided, single submitter. Criteria: Invitae Variant Classification Sherloc (09022015). Collection method: clinical testing. Allele origin: germline.
Comment: This sequence change replaces arginine, which is basic and polar, with glutamine, which is neutral and polar, at codon 1113 of the SLC12A6 protein (p.Arg1113Gln). This variant is present in population databases (rs746796598, gnomAD 0.004%). This variant has not been reported in the literature in individuals affected with SLC12A6-related conditions. ClinVar contains an entry for this variant (Variation ID: 3229122). Invitae Evidence Modeling of protein sequence and biophysical properties (such as structural, functional, and spatial information, amino acid conservation, physicochemical variation, residue mobility, and thermodynamic stability) indicates that this missense variant is not expected to disrupt SLC12A6 protein function with a negative predictive value of 95%. In summary, the available evidence is currently insufficient to determine the role of this variant in disease. Therefore, it has been classified as a Variant of Uncertain Significance.

Ambry Genetics
Classification: Uncertain significance for Inborn genetic diseases. Last evaluated: 2025-11-11. Review status: criteria provided, single submitter. Criteria: Ambry Variant Classification Scheme 2023. Collection method: clinical testing. Allele origin: germline.
Comment: The c.3338G>A (p.R1113Q) alteration is located in exon 24 (coding exon 24) of the SLC12A6 gene. This alteration results from a G to A substitution at nucleotide position 3338, causing the arginine (R) at amino acid position 1113 to be replaced by a glutamine (Q). Based on data from gnomAD, the A allele has an overall frequency of 0.001% (4/282866) total alleles studied. The highest observed frequency was 0.004% (1/24966) of African alleles. Based on insufficient or conflicting evidence, the clinical significance of this alteration remains unclear.

NM_001365088.1(SLC12A6):c.3338G>A (p.Arg1113Gln)

Gene: SLC12A6 (solute carrier family 12 member 6; minus strand). Cytogenetic location: 15q14.
Variant type: single nucleotide variant.
Coding change: c.3338G>A on transcript NM_001365088.1 (MANE Select); coding-DNA position 3338, G replaced by A.
Protein change: p.Arg1113Gln; replaces arginine 1113 with glutamine.
Molecular consequence: missense variant.
Genome position (GRCh38, 1-based): chr15:34,235,204, C>T on the plus strand (G>A on the coding strand, the complement: SLC12A6 is on the minus strand). VCF-style: chr15-34235204-C-T. GRCh37 (hg19) VCF-style: chr15-34527405-C-T.
Other names: c.3161G>A, p.Arg1054Gln (NM_001042494.2, NM_001042495.2); c.3311G>A, p.Arg1104Gln (NM_001042496.2); c.3293G>A, p.Arg1098Gln (NM_001042497.2); c.3185G>A, p.Arg1062Gln (NM_005135.2); c.3338G>A, p.Arg1113Gln (NM_133647.2); short protein forms R1054Q, R1062Q, R1098Q, R1104Q, R1113Q.
Identifiers: ClinVar variation 3229122 (VCV003229122.3), dbSNP rs746796598, ClinGen allele CA7463872.
Genomic context (GRCh38, chr15:34,235,204, plus strand): 5'-TTTTCCCTACTGGAAGCCCCACTCTTGGAAAGGATACAGTTTTCATCACCCTCAGGGTTT[C>T]GGGGTGGCCCTGGCATATTCAATAAAACCAGCTTTGCTTCATGGGACTTGTTAACTATAA-3'
Protein context (NP_001352017.1, residues 1103-1123): LVLLNMPGPP[Arg1113Gln]NPEGDENYME